The following is an entry in ClinVar:

ClinVar aggregate classification (germline): Uncertain significance (1 of 4 stars; one submission).

Conditions:
Inborn genetic diseases. Identifiers: MedGen C0950123, MeSH D030342.

Submission:

Ambry Genetics
Classification: Uncertain significance for Inborn genetic diseases. Last evaluated: 2022-09-26. Review status: criteria provided, single submitter. Criteria: Ambry Variant Classification Scheme 2023. Collection method: clinical testing. Allele origin: germline.
Comment: The p.L32F variant (also known as c.96A>C), located in coding exon 2 of the BUB1B gene, results from an A to C substitution at nucleotide position 96. The leucine at codon 32 is replaced by phenylalanine, an amino acid with highly similar properties. This amino acid position is conserved. In addition, the in silico prediction for this alteration is inconclusive. Since supporting evidence is limited at this time, the clinical significance of this alteration remains unclear.

NM_001211.6(BUB1B):c.96A>C (p.Leu32Phe)

Gene: BUB1B (BUB1 mitotic checkpoint serine/threonine kinase B; plus strand). Cytogenetic location: 15q15.1.
Variant type: single nucleotide variant.
Coding change: c.96A>C on transcript NM_001211.6 (MANE Select); coding-DNA position 96, A replaced by C.
Protein change: p.Leu32Phe; replaces leucine 32 with phenylalanine.
Molecular consequence: missense variant.
Genome position (GRCh38, 1-based): chr15:40,165,113, A>C. VCF-style: chr15-40165113-A-C. GRCh37 (hg19) VCF-style: chr15-40457314-A-C.
Other names: short protein forms L32F.
Identifiers: ClinVar variation 1767863 (VCV001767863.2), dbSNP rs2542508646, ClinGen allele CA391677067.